The following is an entry in ClinVar:

ClinVar aggregate classification (germline): Uncertain significance (1 of 4 stars; one submission).

Conditions:
Perlman syndrome (PRLMNS). Identifiers: Orphanet 2849, MedGen C0796113, MONDO:0009965, OMIM 267000.

Submission:

Labcorp Genetics (formerly Invitae), Labcorp
Classification: Uncertain significance for Perlman syndrome. Last evaluated: 2022-08-23. Review status: criteria provided, single submitter. Criteria: Invitae Variant Classification Sherloc (09022015). Collection method: clinical testing. Allele origin: germline.
Comment: This sequence change replaces asparagine, which is neutral and polar, with aspartic acid, which is acidic and polar, at codon 76 of the DIS3L2 protein (p.Asn76Asp). This variant is not present in population databases (gnomAD no frequency). This variant has not been reported in the literature in individuals affected with DIS3L2-related conditions. Algorithms developed to predict the effect of missense changes on protein structure and function are either unavailable or do not agree on the potential impact of this missense change (SIFT: "Deleterious"; PolyPhen-2: "Probably Damaging"; Align-GVGD: "Class C0"). In summary, the available evidence is currently insufficient to determine the role of this variant in disease. Therefore, it has been classified as a Variant of Uncertain Significance.

NM_152383.5(DIS3L2):c.226A>G (p.Asn76Asp)

Gene: DIS3L2 (DIS3 like 3'-5' exoribonuclease 2; plus strand). Cytogenetic location: 2q37.1.
Variant type: single nucleotide variant.
Coding change: c.226A>G on transcript NM_152383.5 (MANE Select); coding-DNA position 226, A replaced by G.
Protein change: p.Asn76Asp; replaces asparagine 76 with aspartic acid.
Molecular consequence: missense variant. On other transcripts: non-coding transcript variant (2).
Genome position (GRCh38, 1-based): chr2:232,024,292, A>G. VCF-style: chr2-232024292-A-G. GRCh37 (hg19) VCF-style: chr2-232889002-A-G.
Other names: c.226A>G, p.Asn76Asp (NM_001257281.2, NM_001257282.2); short protein forms N76D.
Identifiers: ClinVar variation 1911763 (VCV001911763.5), dbSNP rs2469611838, ClinGen allele CA351152741.